The following is an entry in ClinVar:

ClinVar aggregate classification (germline): Uncertain significance (1 of 4 stars; one submission).

Submission:

GeneDx
Classification: Uncertain significance. Last evaluated: 2026-03-27. Review status: criteria provided, single submitter. Criteria: GeneDx Variant Classification Process June 2021. Collection method: clinical testing. Allele origin: germline.
Comment: Not observed at significant frequency in large population cohorts (gnomAD); In silico analysis supports that this missense variant has a deleterious effect on protein structure/function; Has not been previously published as pathogenic or benign to our knowledge

NM_018896.5(CACNA1G):c.1340C>A (p.Ala447Glu)

Gene: CACNA1G (calcium voltage-gated channel subunit alpha1 G; plus strand). Cytogenetic location: 17q21.33.
Variant type: single nucleotide variant.
Coding change: c.1340C>A on transcript NM_018896.5 (MANE Select); coding-DNA position 1340, C replaced by A.
Protein change: p.Ala447Glu; replaces alanine 447 with glutamic acid.
Molecular consequence: missense variant. On other transcripts: non-coding transcript variant (5).
Genome position (GRCh38, 1-based): chr17:50,575,742, C>A. VCF-style: chr17-50575742-C-A. GRCh37 (hg19) VCF-style: chr17-48653103-C-A.
Other names: c.1340C>A, p.Ala447Glu (NM_198384.3, NM_198385.3, NM_198386.3 and 24 more transcripts); short protein forms A447E.
Identifiers: ClinVar variation 5017759 (VCV005017759.1).